The following is an entry in ClinVar:

NM_022089.4(ATP13A2):c.588C>T (p.Asp196=)

Gene: ATP13A2 (ATPase cation transporting 13A2; minus strand). Cytogenetic location: 1p36.13.
Variant type: single nucleotide variant.
Coding change: c.588C>T on transcript NM_022089.4 (MANE Select); coding-DNA position 588, C replaced by T.
Protein change: p.Asp196=; no amino-acid change (aspartic acid 196 retained).
Molecular consequence: synonymous variant.
Genome position (GRCh38, 1-based): chr1:17,002,343, G>A on the plus strand (C>T on the coding strand, the complement: ATP13A2 is on the minus strand). VCF-style: chr1-17002343-G-A. GRCh37 (hg19) VCF-style: chr1-17328838-G-A.
Other names: c.573C>T, p.Asp191= (NM_001141973.3, NM_001141974.3).
Identifiers: ClinVar variation 703969 (VCV000703969.11), dbSNP rs147384248, ClinGen allele CA637572.

ClinVar aggregate classification (germline): Likely benign. Review status: criteria provided, multiple submitters, no conflicts (2 of 4 stars). 4 submissions from 4 submitters: Likely benign (3). 1 of the submissions does not count toward it. Last evaluated 2025-07-28.

Conditions:
Kufor-Rakeb syndrome (KRS). Also called: PARKINSON DISEASE 9, AUTOSOMAL RECESSIVE, JUVENILE-ONSET. Identifiers: Orphanet 306674, Orphanet 314632, MedGen C1847640, MONDO:0011706, OMIM 606693.
Autosomal recessive spastic paraplegia type 78. Identifiers: Orphanet 513436, MedGen C5567893, MONDO:0014975, OMIM 617225.
ATP13A2-related disorder. Also called: ATP13A2-related disorders; ATP13A2-related condition.
Inborn genetic diseases. Identifiers: MedGen C0950123, MeSH D030342.

Allele frequency attached by ClinVar (database versions not stated): gnomAD exomes 0.00005 and 0.00008; gnomAD 0.00008 and 0.00009; TOPMed 0.00009; ExAC 0.00012; ESP Exome Variant Server 0.00015; 1000 Genomes Project 0.00040; 1000 Genomes Project 30x 0.00047.
gnomAD v4.1: 87 of 1,613,214 alleles (0.0054%); highest among the groups gnomAD compares: East Asian, 0.033%; no homozygotes.

Submissions (4):

Labcorp Genetics (formerly Invitae), Labcorp
Classification: Likely benign for Kufor-Rakeb syndrome; Autosomal recessive spastic paraplegia type 78. Last evaluated: 2025-07-28. Review status: criteria provided, single submitter. Criteria: Invitae Variant Classification Sherloc (09022015). Collection method: clinical testing. Allele origin: germline.

Blueprint Genetics
Classification: Likely benign. Last evaluated: 2022-03-09. Review status: criteria provided, single submitter. Criteria: ACMG Guidelines, 2015. Collection method: clinical testing. Allele origin: germline.

Ambry Genetics
Classification: Likely benign for Inborn genetic diseases. Last evaluated: 2018-01-19. Review status: criteria provided, single submitter. Criteria: Ambry Variant Classification Scheme 2023. Collection method: clinical testing. Allele origin: germline.

PreventionGenetics, part of Exact Sciences
Classification: Likely benign for ATP13A2-related condition. Last evaluated: 2019-06-12. Review status: no assertion criteria provided. Collection method: clinical testing. Allele origin: germline. Not counted in ClinVar's aggregate classification.
Comment: This variant is classified as likely benign based on ACMG/AMP sequence variant interpretation guidelines (Richards et al. 2015 PMID: 25741868, with internal and published modifications).